The following is an entry in ClinVar:

NM_001171.6(ABCC6):c.3077G>A (p.Trp1026Ter)

Gene: ABCC6 (ATP binding cassette subfamily C member 6; minus strand). Cytogenetic location: 16p13.11.
Variant type: single nucleotide variant.
Coding change: c.3077G>A on transcript NM_001171.6 (MANE Select); coding-DNA position 3077, G replaced by A.
Protein change: p.Trp1026Ter; replaces tryptophan 1026 with a stop codon.
Molecular consequence: nonsense. On other transcripts: non-coding transcript variant (1).
Genome position (GRCh38, 1-based): chr16:16,165,852, C>T on the plus strand (G>A on the coding strand, the complement: ABCC6 is on the minus strand). VCF-style: chr16-16165852-C-T. GRCh37 (hg19) VCF-style: chr16-16259709-C-T.
Other names: c.2735G>A, p.Trp912Ter (NM_001351800.1); short protein forms W1026*, W912*.
Identifiers: ClinVar variation 2120735 (VCV002120735.4), dbSNP rs1254748860, ClinGen allele CA394883268.

ClinVar aggregate classification (germline): Pathogenic (1 of 4 stars; one submission).

Allele frequency attached by ClinVar (database versions not stated): gnomAD exomes below 0.00001; gnomAD 0.00001; TOPMed 0.00001.
gnomAD v4.1: 3 of 1,613,202 alleles (0.00019%); highest among the groups gnomAD compares: African/African-American, 0.0027%; no homozygotes.

Submission:

Labcorp Genetics (formerly Invitae), Labcorp
Classification: Pathogenic. Last evaluated: 2022-04-01. Review status: criteria provided, single submitter. Criteria: Invitae Variant Classification Sherloc (09022015). Collection method: clinical testing. Allele origin: germline.
Comment: For these reasons, this variant has been classified as Pathogenic. This variant has not been reported in the literature in individuals affected with ABCC6-related conditions. This variant is present in population databases (no rsID available, gnomAD 0.007%). This sequence change creates a premature translational stop signal (p.Trp1026*) in the ABCC6 gene. It is expected to result in an absent or disrupted protein product. Loss-of-function variants in ABCC6 are known to be pathogenic (PMID: 11536079, 17617515).

Literature cited by the submitters: PubMed 11536079; PubMed 17617515.